The following is an entry in ClinVar:

ClinVar aggregate classification (germline): Uncertain significance. Review status: criteria provided, multiple submitters, no conflicts (2 of 4 stars). 2 submissions from 2 submitters: Uncertain significance (2). Last evaluated 2025-11-10.

Conditions:
POLD1-related polyposis and colorectal cancer syndrome (CRCS10). Also called: Colorectal cancer, susceptibility to, 10; Colorectal cancer 10; COLORECTAL CANCER, SUSCEPTIBILITY TO, ON CHROMOSOME 19q. Identifiers: Orphanet 220460, MedGen C2675481, MONDO:0012953, OMIM 612591.
Hereditary cancer-predisposing syndrome. Also called: Neoplastic Syndromes, Hereditary; Hereditary neoplastic syndrome; Hereditary Cancer Syndrome; Tumor predisposition. Identifiers: Orphanet 140162, MedGen C0027672, MeSH D009386, MONDO:0015356.

Allele frequency attached by ClinVar (database versions not stated): ExAC 0.00002; TOPMed 0.00002; gnomAD 0.00004.
gnomAD v4.1: 29 of 1,606,706 alleles (0.0018%); highest among the groups gnomAD compares: Middle Eastern, 0.017%; no homozygotes.

Submissions (3):

Labcorp Genetics (formerly Invitae), Labcorp
Classification: Uncertain significance for POLD1-related polyposis and colorectal cancer syndrome. Last evaluated: 2025-11-10. Review status: criteria provided, single submitter. Criteria: Invitae Variant Classification Sherloc (09022015). Collection method: clinical testing. Allele origin: germline.
Comment: This sequence change replaces arginine, which is basic and polar, with glutamine, which is neutral and polar, at codon 817 of the POLD1 protein (p.Arg817Gln). This variant is present in population databases (rs142017093, gnomAD 0.005%). This variant has not been reported in the literature in individuals affected with POLD1-related conditions. ClinVar contains an entry for this variant (Variation ID: 407983). Invitae Evidence Modeling of protein sequence and biophysical properties (such as structural, functional, and spatial information, amino acid conservation, physicochemical variation, residue mobility, and thermodynamic stability) indicates that this missense variant is not expected to disrupt POLD1 protein function with a negative predictive value of 80%. RNA analysis performed to evaluate the impact of this missense change on mRNA splicing indicates it does not significantly alter splicing (internal data). In summary, the available evidence is currently insufficient to determine the role of this variant in disease. Therefore, it has been classified as a Variant of Uncertain Significance.

Ambry Genetics
Classification: Uncertain significance for Hereditary cancer-predisposing syndrome. Last evaluated: 2024-12-20. Review status: criteria provided, single submitter. Criteria: Ambry Variant Classification Scheme 2023. Collection method: clinical testing. Allele origin: germline.
Comment: The p.R817Q variant (also known as c.2450G>A), located in coding exon 19 of the POLD1 gene, results from a G to A substitution at nucleotide position 2450. The arginine at codon 817 is replaced by glutamine, an amino acid with highly similar properties. This amino acid position is poorly conserved in available vertebrate species. In addition, this alteration is predicted to be tolerated by in silico analysis. Based on the available evidence, the clinical significance of this variant remains unclear.

Dr. Peter K. Rogan Lab, Western University
No classification provided (evidence only). Condition: Malignant tumor of urinary bladder. Review status: no classification provided. Collection method: in vitro. Allele origin: not applicable. Functional consequence: retained intron. Not counted in ClinVar's aggregate classification.

NM_002691.4(POLD1):c.2450G>A (p.Arg817Gln)

Gene: POLD1 (DNA polymerase delta 1, catalytic subunit; plus strand). Cytogenetic location: 19q13.33.
Variant type: single nucleotide variant.
Coding change: c.2450G>A on transcript NM_002691.4 (MANE Select); coding-DNA position 2450, G replaced by A.
Protein change: p.Arg817Gln; replaces arginine 817 with glutamine.
Molecular consequence: missense variant. On other transcripts: non-coding transcript variant (1).
Genome position (GRCh38, 1-based): chr19:50,414,876, G>A. VCF-style: chr19-50414876-G-A. GRCh37 (hg19) VCF-style: chr19-50918133-G-A.
Other names: c.2450G>A, p.Arg817Gln (NM_001256849.1); c.2528G>A, p.Arg843Gln (NM_001308632.1); c.2450G>A (NM_002691.2); short protein forms R817Q, R843Q.
Identifiers: ClinVar variation 407983 (VCV000407983.11), dbSNP rs142017093, ClinGen allele CA9596528.